The following is an entry in ClinVar:

ClinVar aggregate classification (germline): Uncertain significance (1 of 4 stars; one submission).

Conditions:
Dyskeratosis congenita. Identifiers: Orphanet 1775, MedGen C0265965, MONDO:0015780.

Submission:

Ambry Genetics
Classification: Uncertain significance for Dyskeratosis congenita. Last evaluated: 2026-08-24. Review status: criteria provided, single submitter. Criteria: Ambry Variant Classification Scheme 2023. Collection method: clinical testing. Allele origin: germline.
Comment: The p.V818E variant (also known as c.2453T>A), located in coding exon 8 of the TERT gene, results from a T to A substitution at nucleotide position 2453. The valine at codon 818 is replaced by glutamic acid, an amino acid with dissimilar properties. This amino acid position is conserved. In addition, this alteration is predicted to be deleterious by in silico analysis. Based on the available evidence, the clinical significance of this variant remains unclear.

NM_198253.3(TERT):c.2453T>A (p.Val818Glu)

Gene: TERT (telomerase reverse transcriptase; minus strand). Cytogenetic location: 5p15.33.
Variant type: single nucleotide variant.
Coding change: c.2453T>A on transcript NM_198253.3 (MANE Select); coding-DNA position 2453, T replaced by A.
Protein change: p.Val818Glu; replaces valine 818 with glutamic acid.
Molecular consequence: missense variant.
Genome position (GRCh38, 1-based): chr5:1,271,134, A>T on the plus strand (T>A on the coding strand, the complement: TERT is on the minus strand). VCF-style: chr5-1271134-A-T. GRCh37 (hg19) VCF-style: chr5-1271249-A-T.
Other names: c.2453T>A, p.Val818Glu (NM_001193376.3); short protein forms V818E.
Identifiers: ClinVar variation 5030666 (VCV005030666.1).